The following is an entry in ClinVar:

ClinVar aggregate classification (germline): Uncertain significance. Review status: criteria provided, multiple submitters, no conflicts (2 of 4 stars). 3 submissions from 3 submitters: Uncertain significance (3). Last evaluated 2026-02-02.

Allele frequency attached by ClinVar (database versions not stated): gnomAD 0.00001; ExAC 0.00004; gnomAD exomes 0.00004.
gnomAD v4.1: 62 of 1,613,832 alleles (0.0038%); highest among the groups gnomAD compares: South Asian, 0.029%; 1 homozygote.

Submissions (3):

Labcorp Genetics (formerly Invitae), Labcorp
Classification: Uncertain significance. Last evaluated: 2026-02-02. Review status: criteria provided, single submitter. Criteria: Invitae Variant Classification Sherloc (09022015). Collection method: clinical testing. Allele origin: germline.
Comment: This sequence change replaces arginine, which is basic and polar, with glutamine, which is neutral and polar, at codon 829 of the DMXL2 protein (p.Arg829Gln). This variant is present in population databases (rs773900028, gnomAD 0.02%). This variant has not been reported in the literature in individuals affected with DMXL2-related conditions. ClinVar contains an entry for this variant (Variation ID: 1463045). An algorithm developed to predict the effect of missense changes on protein structure and function (PolyPhen-2) suggests that this variant is likely to be tolerated. In summary, the available evidence is currently insufficient to determine the role of this variant in disease. Therefore, it has been classified as a Variant of Uncertain Significance.

Blueprint Genetics
Classification: Uncertain significance. Last evaluated: 2024-10-11. Review status: criteria provided, single submitter. Criteria: ACMG Guidelines, 2015. Collection method: clinical testing. Allele origin: germline.

ARUP Laboratories, Molecular Genetics and Genomics, ARUP Laboratories
Classification: Uncertain significance. Last evaluated: 2023-09-11. Review status: criteria provided, single submitter. Criteria: ARUP Molecular Germline Variant Investigation Process 2024. Collection method: clinical testing. Allele origin: germline.
Comment: Due to limited information, including a lack of clinical and/or functional data and an uninformative population frequency, the clinical significance of this variant is uncertain at this time.”

NM_001378457.1(DMXL2):c.2486G>A (p.Arg829Gln)

Gene: DMXL2 (Dmx like 2; minus strand). Cytogenetic location: 15q21.2.
Variant type: single nucleotide variant.
Coding change: c.2486G>A on transcript NM_001378457.1 (MANE Select); coding-DNA position 2486, G replaced by A.
Protein change: p.Arg829Gln; replaces arginine 829 with glutamine.
Molecular consequence: missense variant. On other transcripts: non-coding transcript variant (2).
Genome position (GRCh38, 1-based): chr15:51,517,118, C>T on the plus strand (G>A on the coding strand, the complement: DMXL2 is on the minus strand). VCF-style: chr15-51517118-C-T. GRCh37 (hg19) VCF-style: chr15-51809315-C-T.
Other names: c.2486G>A, p.Arg829Gln (NM_001174116.3, NM_001174117.3, NM_001378458.1 and 6 more transcripts); c.2246G>A, p.Arg749Gln (NM_001378464.1); short protein forms R749Q, R829Q.
Identifiers: ClinVar variation 1463045 (VCV001463045.7), dbSNP rs773900028, ClinGen allele CA7562362.